The following is an entry in ClinVar:

ClinVar aggregate classification (germline): Pathogenic (1 of 4 stars; one submission).

Conditions:
Cone-rod dystrophy 13 (CORD13). Identifiers: Orphanet 1872, MedGen C2750720, MONDO:0011987, OMIM 608194.
Leber congenital amaurosis 6 (LCA6). Identifiers: Orphanet 65, MedGen C1854260, MONDO:0013446, OMIM 613826.

Submission:

Labcorp Genetics (formerly Invitae), Labcorp
Classification: Pathogenic for Leber congenital amaurosis 6; Cone-rod dystrophy 13. Last evaluated: 2021-01-27. Review status: criteria provided, single submitter. Criteria: Invitae Variant Classification Sherloc (09022015). Collection method: clinical testing. Allele origin: germline.
Comment: This variant is not present in population databases (ExAC no frequency). For these reasons, this variant has been classified as Pathogenic. This variant has not been reported in the literature in individuals with RPGRIP1-related conditions. This sequence change creates a premature translational stop signal (p.Gln644*) in the RPGRIP1 gene. It is expected to result in an absent or disrupted protein product. Loss-of-function variants in RPGRIP1 are known to be pathogenic (PMID: 11528500, 23105016).

Literature cited by the submitters: PubMed 11528500; PubMed 23105016.

NM_020366.4(RPGRIP1):c.1930C>T (p.Gln644Ter)

Gene: RPGRIP1 (RPGR interacting protein 1; plus strand). Cytogenetic location: 14q11.2.
Variant type: single nucleotide variant.
Coding change: c.1930C>T on transcript NM_020366.4 (MANE Select); coding-DNA position 1930, C replaced by T.
Protein change: p.Gln644Ter; replaces glutamine 644 with a stop codon.
Molecular consequence: nonsense. On other transcripts: intron variant (4).
Genome position (GRCh38, 1-based): chr14:21,324,785, C>T. VCF-style: chr14-21324785-C-T. GRCh37 (hg19) VCF-style: chr14-21792944-C-T.
Other names: c.856C>T, p.Gln286Ter (NM_001377948.1); c.796+60C>T (NM_001377949.1); c.688+2781C>T (NM_001377523.1, NM_001377950.1); c.190+2781C>T (NM_001377951.1); short protein forms Q286*, Q644*.
Identifiers: ClinVar variation 1455614 (VCV001455614.6), dbSNP rs2139227650, ClinGen allele CA388867301.